The following is an entry in ClinVar:

ClinVar aggregate classification (germline): Uncertain significance (0 of 4 stars; one submission).

Conditions:
RPGRIP1L-related disorder. Also called: RPGRIP1L-related condition; RPGRIP1L-related disorders. Identifiers: MedGen CN239416.

gnomAD v4.1: 5 of 1,603,856 alleles (0.00031%); highest among the groups gnomAD compares: African/African-American, 0.0067%; no homozygotes.

Submission:

PreventionGenetics, part of Exact Sciences
Classification: Uncertain significance for RPGRIP1L-related condition. Last evaluated: 2024-03-05. Review status: no assertion criteria provided. Collection method: clinical testing. Allele origin: germline.
Comment: The RPGRIP1L c.1483A>C variant is predicted to result in the amino acid substitution p.Met495Leu. To our knowledge, this variant has not been reported in the literature. This variant is reported in 0.034% of alleles in individuals of African descent in gnomAD. A different variant affecting the same amino acid (Met495Val) was reported in one individual with retinal and optic nerve disorders (Table S 12, Diñeiro et al. 2020. PubMed ID: 32483926). At this time, the clinical significance of this variant is uncertain due to the absence of conclusive functional and genetic evidence.

NM_015272.5(RPGRIP1L):c.1483A>C (p.Met495Leu)

Gene: RPGRIP1L (RPGRIP1 like; minus strand). Cytogenetic location: 16q12.2.
Variant type: single nucleotide variant.
Coding change: c.1483A>C on transcript NM_015272.5 (MANE Select); coding-DNA position 1483, A replaced by C.
Protein change: p.Met495Leu; replaces methionine 495 with leucine.
Molecular consequence: missense variant.
Genome position (GRCh38, 1-based): chr16:53,657,551, T>G on the plus strand (A>C on the coding strand, the complement: RPGRIP1L is on the minus strand). VCF-style: chr16-53657551-T-G. GRCh37 (hg19) VCF-style: chr16-53691463-T-G.
Other names: c.1483A>C, p.Met495Leu (NM_001127897.4, NM_001308334.3, NM_001330538.2); short protein forms M495L.
Identifiers: ClinVar variation 3348133 (VCV003348133.1).
Genomic context (GRCh38, chr16:53,657,551, plus strand): 5'-TGTTTCTTGTCTTTTCCAGCTCTTGCACCGTTTCTGCATGAGTTGCTTGCAGCTCTCTCA[T>G]AGAGCGTTCTAGATCTTTATTAATTTCACTATCTACTTTCACTAAAAAGGAAAGGTCTCC-3'
Protein context (NP_056087.2, residues 485-505): SEINKDLERS[Met495Leu]RELQATHAET